The following is an entry in ClinVar:

NM_003982.4(SLC7A7):c.1282A>C (p.Thr428Pro)

Gene: SLC7A7 (solute carrier family 7 member 7; minus strand). Cytogenetic location: 14q11.2.
Variant type: single nucleotide variant.
Coding change: c.1282A>C on transcript NM_003982.4 (MANE Select); coding-DNA position 1282, A replaced by C.
Protein change: p.Thr428Pro; replaces threonine 428 with proline.
Molecular consequence: missense variant.
Genome position (GRCh38, 1-based): chr14:22,774,080, T>G on the plus strand (A>C on the coding strand, the complement: SLC7A7 is on the minus strand). VCF-style: chr14-22774080-T-G. GRCh37 (hg19) VCF-style: chr14-23243289-T-G.
Other names: c.1282A>C, p.Thr428Pro (NM_001126105.3, NM_001126106.4); short protein forms T428P.
Identifiers: ClinVar variation 1003225 (VCV001003225.6), dbSNP rs1219626541, ClinGen allele CA388921363.

ClinVar aggregate classification (germline): Uncertain significance (1 of 4 stars; one submission).

Conditions:
Lysinuric protein intolerance (LPI). Identifiers: Orphanet 470, MedGen C0268647, MONDO:0009109, OMIM 222700.

Allele frequency attached by ClinVar (database versions not stated): gnomAD 0.00001; TOPMed 0.00001.
gnomAD v4.1: 2 of 1,613,844 alleles (0.00012%); highest among the groups gnomAD compares: Non-Finnish European, 0.00017%; no homozygotes.

Submission:

Labcorp Genetics (formerly Invitae), Labcorp
Classification: Uncertain significance for Lysinuric protein intolerance. Last evaluated: 2021-08-27. Review status: criteria provided, single submitter. Criteria: Invitae Variant Classification Sherloc (09022015). Collection method: clinical testing. Allele origin: germline.
Comment: This sequence change replaces threonine with proline at codon 428 of the SLC7A7 protein (p.Thr428Pro). The threonine residue is moderately conserved and there is a small physicochemical difference between threonine and proline. This variant is not present in population databases (ExAC no frequency). This variant has not been reported in the literature in individuals affected with SLC7A7-related conditions. Algorithms developed to predict the effect of missense changes on protein structure and function are either unavailable or do not agree on the potential impact of this missense change (SIFT: "Tolerated"; PolyPhen-2: "Possibly Damaging"; Align-GVGD: "Class C0"). In summary, the available evidence is currently insufficient to determine the role of this variant in disease. Therefore, it has been classified as a Variant of Uncertain Significance.